The following is an entry in ClinVar:

NM_001099857.5(IKBKG):c.634G>C (p.Ala212Pro)

Gene: IKBKG (inhibitor of nuclear factor kappa B kinase regulatory subunit gamma; plus strand). Cytogenetic location: Xq28.
Variant type: single nucleotide variant.
Coding change: c.634G>C on transcript NM_001099857.5 (MANE Select); coding-DNA position 634, G replaced by C.
Protein change: p.Ala212Pro; replaces alanine 212 with proline.
Molecular consequence: missense variant. On other transcripts: intron variant (3).
Genome position (GRCh38, 1-based): chrX:154,560,522, G>C. VCF-style: chrX-154560522-G-C. GRCh37 (hg19) VCF-style: chrX-153788737-G-C.
Other names: c.838G>C, p.Ala280Pro (NM_001099856.6); c.634G>C, p.Ala212Pro (NM_001321396.3, NM_001377312.1, NM_003639.4); c.631G>C, p.Ala211Pro (NM_001321397.3, NM_001377313.1); c.519-1166G>C (NM_001145255.4); c.516-1166G>C (NM_001377314.1); c.400-2288G>C (NM_001377315.1); short protein forms A211P, A212P, A280P.
Identifiers: ClinVar variation 3390445 (VCV003390445.2).

ClinVar aggregate classification (germline): Uncertain significance (1 of 4 stars; one submission).

Submission:

GeneDx
Classification: Uncertain significance. Last evaluated: 2025-06-25. Review status: criteria provided, single submitter. Criteria: GeneDx Variant Classification Process June 2021. Collection method: clinical testing. Allele origin: germline.
Comment: In silico analysis suggests that this missense variant does not alter protein structure/function; No data available from control populations to assess the frequency of this variant; Has not been previously published as pathogenic or benign to our knowledge